The following is an entry in ClinVar:

NM_017934.7(PHIP):c.216T>C (p.Pro72=)

Gene: PHIP (PHIP subunit of CUL4-Ring ligase complex; minus strand). Cytogenetic location: 6q14.1.
Variant type: single nucleotide variant.
Coding change: c.216T>C on transcript NM_017934.7 (MANE Select); coding-DNA position 216, T replaced by C.
Protein change: p.Pro72=; no amino-acid change (proline 72 retained).
Molecular consequence: synonymous variant.
Genome position (GRCh38, 1-based): chr6:79,060,792, A>G on the plus strand (T>C on the coding strand, the complement: PHIP is on the minus strand). VCF-style: chr6-79060792-A-G. GRCh37 (hg19) VCF-style: chr6-79770509-A-G.
Other names: c.216T>C (NM_017934.6).
Identifiers: ClinVar variation 2189337 (VCV002189337.6), dbSNP rs140397043, ClinGen allele CA3900411.

ClinVar aggregate classification (germline): Likely benign. Review status: criteria provided, single submitter (1 of 4 stars). 2 submissions from 2 submitters: Likely benign (1). 1 of the submissions does not count toward it. Last evaluated 2025-01-30.

Conditions:
PHIP-related disorder. Also called: PHIP-related condition; PHIP-related disorders.

Allele frequency attached by ClinVar (database versions not stated): ExAC 0.00007; TOPMed 0.00008; ESP Exome Variant Server 0.00015.
gnomAD v4.1: 257 of 1,611,670 alleles (0.016%); highest among the groups gnomAD compares: Non-Finnish European, 0.021%; no homozygotes.

Submissions (2):

Labcorp Genetics (formerly Invitae), Labcorp
Classification: Likely benign. Last evaluated: 2025-01-30. Review status: criteria provided, single submitter. Criteria: Invitae Variant Classification Sherloc (09022015). Collection method: clinical testing. Allele origin: germline.

PreventionGenetics, part of Exact Sciences
Classification: Likely benign for PHIP-related condition. Last evaluated: 2021-12-02. Review status: no assertion criteria provided. Collection method: clinical testing. Allele origin: germline. Not counted in ClinVar's aggregate classification.
Comment: This variant is classified as likely benign based on ACMG/AMP sequence variant interpretation guidelines (Richards et al. 2015 PMID: 25741868, with internal and published modifications).